The following is an entry in ClinVar:

ClinVar aggregate classification (germline): Uncertain significance (1 of 4 stars; one submission).

Submission:

Labcorp Genetics (formerly Invitae), Labcorp
Classification: Uncertain significance. Last evaluated: 2025-08-19. Review status: criteria provided, single submitter. Criteria: Invitae Variant Classification Sherloc (09022015). Collection method: clinical testing. Allele origin: germline.
Comment: This sequence change replaces leucine, which is neutral and non-polar, with phenylalanine, which is neutral and non-polar, at codon 1180 of the MTOR protein (p.Leu1180Phe). This variant is not present in population databases (gnomAD no frequency). This variant has not been reported in the literature in individuals affected with MTOR-related conditions. Invitae Evidence Modeling of protein sequence and biophysical properties (such as structural, functional, and spatial information, amino acid conservation, physicochemical variation, residue mobility, and thermodynamic stability) indicates that this missense variant is not expected to disrupt MTOR protein function with a negative predictive value of 95%. In summary, the available evidence is currently insufficient to determine the role of this variant in disease. Therefore, it has been classified as a Variant of Uncertain Significance.

NM_004958.4(MTOR):c.3538C>T (p.Leu1180Phe)

Gene: MTOR (mechanistic target of rapamycin kinase; minus strand). Cytogenetic location: 1p36.22.
Variant type: single nucleotide variant.
Coding change: c.3538C>T on transcript NM_004958.4 (MANE Select); coding-DNA position 3538, C replaced by T.
Protein change: p.Leu1180Phe; replaces leucine 1180 with phenylalanine.
Molecular consequence: missense variant.
Genome position (GRCh38, 1-based): chr1:11,212,335, G>A on the plus strand (C>T on the coding strand, the complement: MTOR is on the minus strand). VCF-style: chr1-11212335-G-A. GRCh37 (hg19) VCF-style: chr1-11272392-G-A.
Other names: c.3538C>T, p.Leu1180Phe (NM_001386500.1); c.2290C>T, p.Leu764Phe (NM_001386501.1); short protein forms L1180F, L764F.
Identifiers: ClinVar variation 4810996 (VCV004810996.1).